The following is an entry in ClinVar:

ClinVar aggregate classification (germline): Uncertain significance (1 of 4 stars; one submission).

Conditions:
Niemann-Pick disease, type C1. Also called: NEUROVISCERAL STORAGE DISEASE WITH VERTICAL SUPRANUCLEAR OPHTHALMOPLEGIA; NIEMANN-PICK DISEASE WITH CHOLESTEROL ESTERIFICATION BLOCK; NIEMANN-PICK DISEASE WITHOUT SPHINGOMYELINASE DEFICIENCY; NIEMANN-PICK DISEASE, CHRONIC NEURONOPATHIC FORM; NIEMANN-PICK DISEASE, VARIANT TYPE C1. Identifiers: Orphanet 646, MedGen C3179455, MONDO:0009757, OMIM 257220.

Submission:

Labcorp Genetics (formerly Invitae), Labcorp
Classification: Uncertain significance for Niemann-Pick disease, type C1. Last evaluated: 2023-08-17. Review status: criteria provided, single submitter. Criteria: Invitae Variant Classification Sherloc (09022015). Collection method: clinical testing. Allele origin: germline.
Comment: In summary, the available evidence is currently insufficient to determine the role of this variant in disease. Therefore, it has been classified as a Variant of Uncertain Significance. Advanced modeling of protein sequence and biophysical properties (such as structural, functional, and spatial information, amino acid conservation, physicochemical variation, residue mobility, and thermodynamic stability) performed at Invitae indicates that this missense variant is expected to disrupt NPC1 protein function. This variant has not been reported in the literature in individuals affected with NPC1-related conditions. This variant is not present in population databases (gnomAD no frequency). This sequence change replaces serine, which is neutral and polar, with proline, which is neutral and non-polar, at codon 602 of the NPC1 protein (p.Ser602Pro).

NM_000271.5(NPC1):c.1804T>C (p.Ser602Pro)

Gene: NPC1 (NPC intracellular cholesterol transporter 1; minus strand). Cytogenetic location: 18q11.2.
Variant type: single nucleotide variant.
Coding change: c.1804T>C on transcript NM_000271.5 (MANE Select); coding-DNA position 1804, T replaced by C.
Protein change: p.Ser602Pro; replaces serine 602 with proline.
Molecular consequence: missense variant.
Genome position (GRCh38, 1-based): chr18:23,545,103, A>G on the plus strand (T>C on the coding strand, the complement: NPC1 is on the minus strand). VCF-style: chr18-23545103-A-G. GRCh37 (hg19) VCF-style: chr18-21125067-A-G.
Other names: short protein forms S602P.
Identifiers: ClinVar variation 2851005 (VCV002851005.3), dbSNP rs2511240489, ClinGen allele CA401773163.